The following is an entry in ClinVar:

ClinVar aggregate classification (germline): Likely pathogenic (1 of 4 stars; one submission).

gnomAD v4.1: 7 of 1,611,794 alleles (0.00043%); highest among the groups gnomAD compares: Non-Finnish European, 0.00059%; no homozygotes.

Submission:

Labcorp Genetics (formerly Invitae), Labcorp
Classification: Likely pathogenic. Last evaluated: 2025-01-08. Review status: criteria provided, single submitter. Criteria: Invitae Variant Classification Sherloc (09022015). Collection method: clinical testing. Allele origin: germline.
Comment: This sequence change affects an acceptor splice site in intron 3 of the AAAS gene. It is expected to disrupt RNA splicing. Variants that disrupt the donor or acceptor splice site typically lead to a loss of protein function (PMID: 16199547), and loss-of-function variants in AAAS are known to be pathogenic (PMID: 11159947). This variant is not present in population databases (gnomAD no frequency). Disruption of this splice site has been observed in individual(s) with achalasia-addisonianism-alacrimia syndrome (internal data). Algorithms developed to predict the effect of sequence changes on RNA splicing suggest that this variant may disrupt the consensus splice site. In summary, the currently available evidence indicates that the variant is pathogenic, but additional data are needed to prove that conclusively. Therefore, this variant has been classified as Likely Pathogenic.

Literature cited by the submitters: PubMed 16199547; PubMed 11159947.

NM_015665.6(AAAS):c.308-2A>G

Gene: AAAS (aladin WD repeat nucleoporin; minus strand). Cytogenetic location: 12q13.13.
Variant type: single nucleotide variant.
Coding change: c.308-2A>G on transcript NM_015665.6 (MANE Select); the canonical splice acceptor site of the intron before coding-DNA position 308, A replaced by G.
Molecular consequence: splice acceptor variant.
Genome position (GRCh38, 1-based): chr12:53,315,428, T>C on the plus strand (A>G on the coding strand, the complement: AAAS is on the minus strand). VCF-style: chr12-53315428-T-C. GRCh37 (hg19) VCF-style: chr12-53709212-T-C.
Other names: c.308-2A>G (NM_001173466.2).
Identifiers: ClinVar variation 3631874 (VCV003631874.2).